The following is an entry in ClinVar:

NM_001330260.2(SCN8A):c.855C>T (p.Pro285=)

Gene: SCN8A (sodium voltage-gated channel alpha subunit 8; plus strand). Cytogenetic location: 12q13.13.
Variant type: single nucleotide variant.
Coding change: c.855C>T on transcript NM_001330260.2 (MANE Select); coding-DNA position 855, C replaced by T.
Protein change: p.Pro285=; no amino-acid change (proline 285 retained).
Molecular consequence: synonymous variant.
Genome position (GRCh38, 1-based): chr12:51,699,718, C>T. VCF-style: chr12-51699718-C-T. GRCh37 (hg19) VCF-style: chr12-52093502-C-T.
Other names: c.855C>T, p.Pro285= (NM_001177984.3, NM_001369788.1, NM_014191.4).
Identifiers: ClinVar variation 309351 (VCV000309351.37), dbSNP rs200784857, ClinGen allele CA6571159.

ClinVar aggregate classification (germline): Benign/Likely benign. Review status: criteria provided, multiple submitters, no conflicts (2 of 4 stars). 4 submissions from 4 submitters: Benign (3); Likely benign (1). Last evaluated 2025-11-15.

Conditions:
Early-infantile DEE. Also called: Ohtahara syndrome; Early infantile epileptic encephalopathy with suppression bursts; Early infantile epileptic encephalopathy. Identifiers: Orphanet 1934, MedGen C0393706, MONDO:0800491.
Inborn genetic diseases. Identifiers: MedGen C0950123, MeSH D030342.

Allele frequency attached by ClinVar (database versions not stated): gnomAD 0.00007 and 0.00010; TOPMed 0.00014; 1000 Genomes Project 30x 0.00016; 1000 Genomes Project 0.00020; gnomAD exomes 0.00023 and 0.00038; ExAC 0.00045.
gnomAD v4.1: 345 of 1,613,908 alleles (0.021%); highest among the groups gnomAD compares: East Asian, 0.75%; 1 homozygote.

Submissions (4):

Labcorp Genetics (formerly Invitae), Labcorp
Classification: Benign for Early-infantile DEE. Last evaluated: 2025-11-15. Review status: criteria provided, single submitter. Criteria: Invitae Variant Classification Sherloc (09022015). Collection method: clinical testing. Allele origin: germline.

CeGaT Center for Human Genetics Tuebingen
Classification: Likely benign. Last evaluated: 2024-04-01. Review status: criteria provided, single submitter. Criteria: CeGaT Center For Human Genetics Tuebingen Variant Classification Criteria Version 2. Collection method: clinical testing. Allele origin: germline. Affected: yes. Observed: 1 variant allele.
Comment: SCN8A: BP4, BP7, BS1

GeneDx
Classification: Benign. Last evaluated: 2019-05-07. Review status: criteria provided, single submitter. Criteria: GeneDx Variant Classification Process June 2021. Collection method: clinical testing. Allele origin: germline. Affected: yes.

Ambry Genetics
Classification: Benign for Inborn genetic diseases. Last evaluated: 2019-05-01. Review status: criteria provided, single submitter. Criteria: Ambry Variant Classification Scheme 2023. Collection method: clinical testing. Allele origin: germline.